The following is an entry in ClinVar:

ClinVar aggregate classification (germline): Benign/Likely benign. Review status: criteria provided, multiple submitters, no conflicts (2 of 4 stars). 25 submissions from 18 submitters: Benign (16); Likely benign (4). 5 of the submissions do not count toward it. Last evaluated 2026-02-03.

Conditions:
Dilated cardiomyopathy 1G (CMD1G). Identifiers: Orphanet 154, MedGen C1858763, MONDO:0011400, OMIM 604145.
Autosomal recessive limb-girdle muscular dystrophy type 2J (LGMDR10). Also called: Limb-girdle muscular dystrophy, type 2J; MUSCULAR DYSTROPHY, LIMB-GIRDLE, AUTOSOMAL RECESSIVE 10. Identifiers: Orphanet 140922, MedGen C1837342, MONDO:0012127, OMIM 608807.
Cardiomyopathy (CMYO). Also called: Cardiomyopathies. Identifiers: Orphanet 167848, MedGen C0878544, MONDO:0004994, HP:0001638. Inheritance: Various modes of inheritance.
Early-onset myopathy with fatal cardiomyopathy (CMYO5). Also called: CONGENITAL MYOPATHY 5 WITH CARDIOMYOPATHY; Salih Myopathy. Identifiers: Orphanet 289377, MedGen C2673677, MONDO:0012714, OMIM 611705. Disease mechanism: loss of function.
Myopathy, myofibrillar, 9, with early respiratory failure (MFM9). Also called: MYOPATHY, PROXIMAL, WITH EARLY RESPIRATORY MUSCLE INVOLVEMENT; Myopathy, distal, with early respiratory failure, autosomal dominant; Hereditary myopathy with early respiratory failure; EDSTROM MYOPATHY. Identifiers: Orphanet 178464, Orphanet 34521, MedGen C1863599, MONDO:0011362, OMIM 603689.
Tibial muscular dystrophy (TMD). Also called: Tibial muscular dystrophy, tardive; UDD MYOPATHY; Udd Distal Myopathy – Tibial Muscular Dystrophy. Identifiers: Orphanet 609, MedGen C1838244, MONDO:0010870, OMIM 600334.

Allele frequency attached by ClinVar (database versions not stated): gnomAD 0.00104 and 0.00177; TOPMed 0.00104; ESP Exome Variant Server 0.00145; gnomAD exomes 0.00221 and 0.00376; ExAC 0.00430; 1000 Genomes Project 30x 0.00593; 1000 Genomes Project 0.00599.
gnomAD v4.1: 3,520 of 1,613,662 alleles (0.22%); highest among the groups gnomAD compares: South Asian, 2.1%; 53 homozygotes.

Submissions (25):

Labcorp Genetics (formerly Invitae), Labcorp
Classification: Benign for Dilated cardiomyopathy 1G; Autosomal recessive limb-girdle muscular dystrophy type 2J. Last evaluated: 2026-02-03. Review status: criteria provided, single submitter. Criteria: Invitae Variant Classification Sherloc (09022015). Collection method: clinical testing. Allele origin: germline.

ARUP Laboratories, Molecular Genetics and Genomics, ARUP Laboratories
Classification: Benign. Last evaluated: 2025-06-23. Review status: criteria provided, single submitter. Criteria: ARUP Molecular Germline Variant Investigation Process 2024. Collection method: clinical testing. Allele origin: germline.

Molecular Diagnostic Laboratory for Inherited Cardiovascular Disease, Montreal Heart Institute
Classification: Benign. Last evaluated: 2025-04-09. Review status: criteria provided, single submitter. Criteria: ACMG Guidelines, 2015. Collection method: clinical testing. Allele origin: germline. Affected: no.

Athena Diagnostics
Classification: Benign. Last evaluated: 2025-01-21. Review status: criteria provided, single submitter. Criteria: Athena Diagnostics Criteria. Collection method: clinical testing. Allele origin: unknown.
Comment: The frequency of this variant in the general population is higher than would generally be expected for pathogenic variants in this gene.

Mayo Clinic Laboratories, Mayo Clinic
Classification: Benign. Last evaluated: 2023-06-16. Review status: criteria provided, single submitter. Criteria: ACMG Guidelines, 2015. Collection method: clinical testing. Allele origin: germline. Observed: 10 variant alleles.
Comment: BS1, BS2

Genome-Nilou Lab
Classification: Benign for Autosomal recessive limb-girdle muscular dystrophy type 2J. Last evaluated: 2021-09-10. Review status: criteria provided, single submitter. Criteria: ACMG Guidelines, 2015. Collection method: clinical testing. Allele origin: germline. Affected: no.

Genome-Nilou Lab
Classification: Benign for Myopathy, myofibrillar, 9, with early respiratory failure. Last evaluated: 2021-09-10. Review status: criteria provided, single submitter. Criteria: ACMG Guidelines, 2015. Collection method: clinical testing. Allele origin: germline. Affected: no.

Genome-Nilou Lab
Classification: Benign for Early-onset myopathy with fatal cardiomyopathy. Last evaluated: 2021-09-10. Review status: criteria provided, single submitter. Criteria: ACMG Guidelines, 2015. Collection method: clinical testing. Allele origin: germline. Affected: no.

Genome-Nilou Lab
Classification: Benign for Tibial muscular dystrophy. Last evaluated: 2021-09-10. Review status: criteria provided, single submitter. Criteria: ACMG Guidelines, 2015. Collection method: clinical testing. Allele origin: germline. Affected: no.

Women's Health and Genetics/Laboratory Corporation of America, LabCorp
Classification: Benign. Last evaluated: 2020-01-06. Review status: criteria provided, single submitter. Criteria: LabCorp Variant Classification Summary - May 2015. Collection method: clinical testing. Allele origin: germline.

CHEO Genetics Diagnostic Laboratory, Children's Hospital of Eastern Ontario
Classification: Benign for Cardiomyopathy. Last evaluated: 2019-05-30. Review status: criteria provided, single submitter. Criteria: ACMG Guidelines, 2015. Collection method: clinical testing. Allele origin: germline.

Illumina Laboratory Services, Illumina
Classification: Benign for Tibial muscular dystrophy. Last evaluated: 2018-01-12. Review status: criteria provided, single submitter. Criteria: ICSL Variant Classification Criteria 13 December 2019. Collection method: clinical testing. Allele origin: germline.
Comment: This variant was observed in the ICSL laboratory as part of a predisposition screen in an ostensibly healthy population. It had not been previously curated by ICSL or reported in the Human Gene Mutation Database (HGMD: prior to June 1st, 2018), and was therefore a candidate for classification through an automated scoring system. Utilizing variant allele frequency, disease prevalence and penetrance estimates, and inheritance mode, an automated score was calculated to assess if this variant is too frequent to cause the disease. Based on the score and internal cut-off values, a variant classified as benign is not then subjected to further curation. The score for this variant resulted in a classification of benign for this disease.

Illumina Laboratory Services, Illumina
Classification: Benign for Myopathy, myofibrillar, 9, with early respiratory failure. Last evaluated: 2018-01-12. Review status: criteria provided, single submitter. Criteria: ICSL Variant Classification Criteria 13 December 2019. Collection method: clinical testing. Allele origin: germline.
Comment: the same text as in the submission from Illumina Laboratory Services, Illumina above.

Illumina Laboratory Services, Illumina
Classification: Likely benign for Dilated cardiomyopathy 1G. Last evaluated: 2018-01-12. Review status: criteria provided, single submitter. Criteria: ICSL Variant Classification Criteria 13 December 2019. Collection method: clinical testing. Allele origin: germline.
Comment: This variant was observed in the ICSL laboratory as part of a predisposition screen in an ostensibly healthy population. It had not been previously curated by ICSL or reported in the Human Gene Mutation Database (HGMD: prior to June 1st, 2018), and was therefore a candidate for classification through an automated scoring system. Utilizing variant allele frequency, disease prevalence and penetrance estimates, and inheritance mode, an automated score was calculated to assess if this variant is too frequent to cause the disease. Based on the score and internal cut-off values, a variant classified as likely benign is not then subjected to further curation. The score for this variant resulted in a classification of likely benign for this disease.

Illumina Laboratory Services, Illumina
Classification: Likely benign for Autosomal recessive limb-girdle muscular dystrophy type 2J. Last evaluated: 2018-01-12. Review status: criteria provided, single submitter. Criteria: ICSL Variant Classification Criteria 13 December 2019. Collection method: clinical testing. Allele origin: germline.
Comment: the same text as in the submission from Illumina Laboratory Services, Illumina above.

Illumina Laboratory Services, Illumina
Classification: Likely benign for Early-onset myopathy with fatal cardiomyopathy. Last evaluated: 2018-01-12. Review status: criteria provided, single submitter. Criteria: ICSL Variant Classification Criteria 13 December 2019. Collection method: clinical testing. Allele origin: germline.
Comment: the same text as in the submission from Illumina Laboratory Services, Illumina above.

GeneDx
Classification: Benign. Last evaluated: 2016-02-08. Review status: criteria provided, single submitter. Criteria: GeneDx Variant Classification (06012015). Collection method: clinical testing. Allele origin: germline. Affected: yes.
Comment: This variant is considered likely benign or benign based on one or more of the following criteria: it is a conservative change, it occurs at a poorly conserved position in the protein, it is predicted to be benign by multiple in silico algorithms, and/or has population frequency not consistent with disease.

Eurofins Ntd Llc (ga)
Classification: Benign. Last evaluated: 2015-09-01. Review status: criteria provided, single submitter. Criteria: EGL Classification Definitions 2015. Collection method: clinical testing. Allele origin: germline. Observed: 1 variant allele, 1 heterozygote.

Laboratory for Molecular Medicine, Mass General Brigham Personalized Medicine
Classification: Benign. Last evaluated: 2015-04-28. Review status: criteria provided, single submitter. Criteria: LMM Criteria. Collection method: clinical testing. Allele origin: germline. Observed: 13 variant alleles.
Comment: p.Ser6806Ser in exon 80 of TTN: This variant is not expected to have clinical si gnificance because it has been identified in 2.3% (382/16502) of South Asian chr omosomes, including 6 homozygotes, by the Exome Aggregation Consortium (ExAC; dbSNP rs185062935).

Breakthrough Genomics
Classification: Likely benign. Review status: criteria provided, single submitter. Criteria: ACMG Guidelines, 2015. Collection method: not provided. Allele origin: germline. Inheritance: Autosomal recessive inheritance. Affected: yes.

Clinical Genetics DNA and cytogenetics Diagnostics Lab, Erasmus MC, Erasmus Medical Center
Classification: Likely benign. Review status: no assertion criteria provided. Collection method: clinical testing. Allele origin: germline. Affected: yes. Study: VKGL Data-share Consensus. Not counted in ClinVar's aggregate classification.

Clinical Genetics, Academic Medical Center
Classification: Benign. Review status: no assertion criteria provided. Collection method: clinical testing. Allele origin: germline. Affected: yes. Study: VKGL Data-share Consensus. Not counted in ClinVar's aggregate classification.

Diagnostic Laboratory, Department of Genetics, University Medical Center Groningen
Classification: Likely benign. Review status: no assertion criteria provided. Collection method: clinical testing. Allele origin: germline. Affected: yes. Study: VKGL Data-share Consensus. Not counted in ClinVar's aggregate classification.

Joint Genome Diagnostic Labs from Nijmegen and Maastricht, Radboudumc and MUMC+
Classification: Benign. Review status: no assertion criteria provided. Collection method: clinical testing. Allele origin: germline. Affected: yes. Study: VKGL Data-share Consensus. Not counted in ClinVar's aggregate classification.

Laboratory of Diagnostic Genome Analysis, Leiden University Medical Center (LUMC)
Classification: Likely benign. Review status: no assertion criteria provided. Collection method: clinical testing. Allele origin: germline. Affected: yes. Study: VKGL Data-share Consensus. Not counted in ClinVar's aggregate classification.

NM_001267550.2(TTN):c.24150C>T (p.Ser8050=)

Gene: TTN (titin; minus strand). Cytogenetic location: 2q31.2.
Variant type: single nucleotide variant.
Coding change: c.24150C>T on transcript NM_001267550.2 (MANE Select); coding-DNA position 24150, C replaced by T.
Protein change: p.Ser8050=; no amino-acid change (serine 8050 retained).
Molecular consequence: synonymous variant. On other transcripts: intron variant (3).
Genome position (GRCh38, 1-based): chr2:178,719,240, G>A on the plus strand (C>T on the coding strand, the complement: TTN is on the minus strand). VCF-style: chr2-178719240-G-A. GRCh37 (hg19) VCF-style: chr2-179583967-G-A.
Other names: p.S7733S:TCC>TCT; p.Ser7733=; c.13282+18842C>T (NM_003319.4); c.13858+18842C>T (NM_133437.4); c.13657+18842C>T (NM_133432.3); c.23199C>T, p.Ser7733= (NM_001256850.1); c.20418C>T, p.Ser6806= (NM_133378.4).
Identifiers: ClinVar variation 46725 (VCV000046725.48), dbSNP rs185062935, ClinGen allele CA139056.